The following is an entry in ClinVar:

NM_199420.4(POLQ):c.5563G>A (p.Ala1855Thr)

Gene: POLQ (DNA polymerase theta; minus strand). Cytogenetic location: 3q13.33.
Variant type: single nucleotide variant.
Coding change: c.5563G>A on transcript NM_199420.4 (MANE Select); coding-DNA position 5563, G replaced by A.
Protein change: p.Ala1855Thr; replaces alanine 1855 with threonine.
Molecular consequence: missense variant.
Genome position (GRCh38, 1-based): chr3:121,487,368, C>T on the plus strand (G>A on the coding strand, the complement: POLQ is on the minus strand). VCF-style: chr3-121487368-C-T. GRCh37 (hg19) VCF-style: chr3-121206215-C-T.
Other names: short protein forms A1855T.
Identifiers: ClinVar variation 3422495 (VCV003422495.1).

ClinVar aggregate classification (germline): Uncertain significance (1 of 4 stars; one submission).

gnomAD v4.1: 1 of 1,613,894 alleles (0.000062%); highest among the groups gnomAD compares: Non-Finnish European, 0.000085%; no homozygotes.

Submission:

Ambry Genetics
Classification: Uncertain significance. Last evaluated: 2024-08-15. Review status: criteria provided, single submitter. Criteria: Ambry Variant Classification Scheme 2023. Collection method: clinical testing. Allele origin: germline.
Comment: The p.A1855T variant (also known as c.5563G>A), located in coding exon 16 of the POLQ gene, results from a G to A substitution at nucleotide position 5563. The alanine at codon 1855 is replaced by threonine, an amino acid with similar properties. This amino acid position is conserved. In addition, the in silico prediction for this alteration is inconclusive. Based on the available evidence, the clinical significance of this variant remains unclear.